The following is an entry in ClinVar:

NM_002907.4(RECQL):c.799A>G (p.Lys267Glu)

Gene: RECQL (RecQ like helicase; minus strand). Cytogenetic location: 12p12.1.
Variant type: single nucleotide variant.
Coding change: c.799A>G on transcript NM_002907.4 (MANE Select); coding-DNA position 799, A replaced by G.
Protein change: p.Lys267Glu; replaces lysine 267 with glutamic acid.
Molecular consequence: missense variant.
Genome position (GRCh38, 1-based): chr12:21,477,871, T>C on the plus strand (A>G on the coding strand, the complement: RECQL is on the minus strand). VCF-style: chr12-21477871-T-C. GRCh37 (hg19) VCF-style: chr12-21630805-T-C.
Other names: c.799A>G, p.Lys267Glu (NM_032941.3); short protein forms K267E.
Identifiers: ClinVar variation 3944184 (VCV003944184.1).

ClinVar aggregate classification (germline): Uncertain significance (1 of 4 stars; one submission).

Submission:

Ambry Genetics
Classification: Uncertain significance. Last evaluated: 2025-04-12. Review status: criteria provided, single submitter. Criteria: Ambry Variant Classification Scheme 2023. Collection method: clinical testing. Allele origin: germline.
Comment: The p.K267E variant (also known as c.799A>G), located in coding exon 6 of the RECQL gene, results from an A to G substitution at nucleotide position 799. The lysine at codon 267 is replaced by glutamic acid, an amino acid with similar properties. This amino acid position is conserved. In addition, this alteration is predicted to be tolerated by in silico analysis. Based on the available evidence, the clinical significance of this variant remains unclear.